The following is an entry in ClinVar:

NM_001042545.2(LTBP4):c.3059G>A (p.Arg1020His)

Gene: LTBP4 (latent transforming growth factor beta binding protein 4; plus strand). Cytogenetic location: 19q13.2.
Variant type: single nucleotide variant.
Coding change: c.3059G>A on transcript NM_001042545.2 (MANE Select); coding-DNA position 3059, G replaced by A.
Protein change: p.Arg1020His; replaces arginine 1020 with histidine.
Molecular consequence: missense variant.
Genome position (GRCh38, 1-based): chr19:40,617,214, G>A. VCF-style: chr19-40617214-G-A. GRCh37 (hg19) VCF-style: chr19-41123119-G-A.
Other names: c.3260G>A, p.Arg1087His (NM_001042544.1); c.3149G>A, p.Arg1050His (NM_003573.2); short protein forms R1020H, R1087H, R1050H.
Identifiers: ClinVar variation 2175315 (VCV002175315.3), dbSNP rs777731734, ClinGen allele CA9448886.

ClinVar aggregate classification (germline): Uncertain significance. Review status: criteria provided, multiple submitters, no conflicts (2 of 4 stars). 2 submissions from 2 submitters: Uncertain significance (2). Last evaluated 2026-03-26.

Allele frequency attached by ClinVar (database versions not stated): TOPMed 0.00001; gnomAD 0.00003; ExAC 0.00006.
gnomAD v4.1: 56 of 1,613,492 alleles (0.0035%); highest among the groups gnomAD compares: Middle Eastern, 0.033%; 1 homozygote.

Submissions (2):

GeneDx
Classification: Uncertain significance. Last evaluated: 2026-03-26. Review status: criteria provided, single submitter. Criteria: GeneDx Variant Classification Process June 2021. Collection method: clinical testing. Allele origin: germline.
Comment: In silico analysis suggests that this missense variant does not alter protein structure/function; Has not been previously published as pathogenic or benign to our knowledge

Labcorp Genetics (formerly Invitae), Labcorp
Classification: Uncertain significance. Last evaluated: 2021-12-29. Review status: criteria provided, single submitter. Criteria: Invitae Variant Classification Sherloc (09022015). Collection method: clinical testing. Allele origin: germline.
Comment: This sequence change replaces arginine, which is basic and polar, with histidine, which is basic and polar, at codon 1050 of the LTBP4 protein (p.Arg1050His). In summary, the available evidence is currently insufficient to determine the role of this variant in disease. Therefore, it has been classified as a Variant of Uncertain Significance. Experimental studies and prediction algorithms are not available or were not evaluated, and the functional significance of this variant is currently unknown. This variant has not been reported in the literature in individuals affected with LTBP4-related conditions. This variant is present in population databases (rs777731734, gnomAD 0.02%).